The following is an entry in ClinVar:

ClinVar aggregate classification (germline): Benign/Likely benign. Review status: criteria provided, multiple submitters, no conflicts (2 of 4 stars). 3 submissions from 3 submitters: Benign (2); Likely benign (1). Last evaluated 2025-09-29.

Conditions:
Intellectual developmental disorder, X-linked 1. Also called: MENTAL RETARDATION, X-LINKED 18; MENTAL RETARDATION, X-LINKED 78; Intellectual disability, X-linked 1; Atkin Flaitz Patil Smith syndrome. Identifiers: Orphanet 777, MedGen C2931498, MONDO:0010656, OMIM 309530.

Allele frequency attached by ClinVar (database versions not stated): TOPMed 0.00021; 1000 Genomes Project 0.00079; ESP Exome Variant Server 0.00019; 1000 Genomes Project 30x 0.00104.
gnomAD v4.1: 95 of 1,203,590 alleles (0.0079%); highest among the groups gnomAD compares: African/African-American, 0.079%; no homozygotes.

Submissions (3):

Labcorp Genetics (formerly Invitae), Labcorp
Classification: Benign for Intellectual developmental disorder, X-linked 1. Last evaluated: 2025-09-29. Review status: criteria provided, single submitter. Criteria: Invitae Variant Classification Sherloc (09022015). Collection method: clinical testing. Allele origin: germline.

Blueprint Genetics
Classification: Likely benign. Last evaluated: 2021-06-09. Review status: criteria provided, single submitter. Criteria: ACMG Guidelines, 2015. Collection method: clinical testing. Allele origin: germline.

GeneDx
Classification: Benign. Last evaluated: 2017-03-17. Review status: criteria provided, single submitter. Criteria: GeneDx Variant Classification (06012015). Collection method: clinical testing. Allele origin: germline. Affected: yes.
Comment: This variant is considered likely benign or benign based on one or more of the following criteria: it is a conservative change, it occurs at a poorly conserved position in the protein, it is predicted to be benign by multiple in silico algorithms, and/or has population frequency not consistent with disease.

NM_001111125.3(IQSEC2):c.1402-11C>A

Gene: IQSEC2 (IQ motif and Sec7 domain ArfGEF 2; minus strand). Cytogenetic location: Xp11.22.
Variant type: single nucleotide variant.
Coding change: c.1402-11C>A on transcript NM_001111125.3 (MANE Select); 11 bases into the intron before coding-DNA position 1402, C replaced by A.
Molecular consequence: intron variant.
Genome position (GRCh38, 1-based): chrX:53,251,185, G>T on the plus strand (C>A on the coding strand, the complement: IQSEC2 is on the minus strand). VCF-style: chrX-53251185-G-T. GRCh37 (hg19) VCF-style: chrX-53280367-G-T.
Other names: c.787-11C>A (NM_015075.2).
Identifiers: ClinVar variation 516960 (VCV000516960.10), dbSNP rs187186062, ClinGen allele CA10420066.